The following is an entry in ClinVar:

NM_001324116.5(UAP1):c.369G>A (p.Gly123=)

Gene: UAP1 (UDP-N-acetylglucosamine pyrophosphorylase 1; plus strand). Cytogenetic location: 1q23.3.
Variant type: single nucleotide variant.
Coding change: c.369G>A on transcript NM_001324116.5 (MANE Select); coding-DNA position 369, G replaced by A.
Protein change: p.Gly123=; no amino-acid change (glycine 123 retained).
Molecular consequence: synonymous variant. On other transcripts: non-coding transcript variant (1).
Genome position (GRCh38, 1-based): chr1:162,576,865, G>A. VCF-style: chr1-162576865-G-A. GRCh37 (hg19) VCF-style: chr1-162546655-G-A.
Other names: c.369G>A, p.Gly123= (NM_001324113.2, NM_001324114.2, NM_001324115.3 and 7 more transcripts); c.183G>A, p.Gly61= (NM_001399793.1).
Identifiers: ClinVar variation 2639522 (VCV002639522.24), dbSNP rs745719142, ClinGen allele CA1216843.

ClinVar aggregate classification (germline): Likely benign (1 of 4 stars; one submission).

Allele frequency attached by ClinVar (database versions not stated): ExAC 0.00001.

Submission:

CeGaT Center for Human Genetics Tuebingen
Classification: Likely benign. Last evaluated: 2022-06-01. Review status: criteria provided, single submitter. Criteria: CeGaT Center For Human Genetics Tuebingen Variant Classification Criteria Version 2. Collection method: clinical testing. Allele origin: germline. Affected: yes. Observed: 1 variant allele.
Comment: UAP1: BP4, BP7